The following is an entry in ClinVar:

NM_000535.7(PMS2):c.1220G>A (p.Arg407Lys)

Gene: PMS2 (PMS1 homolog 2, mismatch repair system component; minus strand). Cytogenetic location: 7p22.1.
Variant type: single nucleotide variant.
Coding change: c.1220G>A on transcript NM_000535.7 (MANE Select); coding-DNA position 1220, G replaced by A.
Protein change: p.Arg407Lys; replaces arginine 407 with lysine.
Molecular consequence: missense variant. On other transcripts: non-coding transcript variant (1).
Genome position (GRCh38, 1-based): chr7:5,987,545, C>T on the plus strand (G>A on the coding strand, the complement: PMS2 is on the minus strand). VCF-style: chr7-5987545-C-T. GRCh37 (hg19) VCF-style: chr7-6027176-C-T.
Other names: c.815G>A, p.Arg272Lys (NM_001322003.2, NM_001322004.2, NM_001322005.2 and 1 more transcripts); c.1064G>A, p.Arg355Lys (NM_001322006.2); c.902G>A, p.Arg301Lys (NM_001322007.2, NM_001322008.2); c.659G>A, p.Arg220Lys (NM_001322010.2); c.287G>A, p.Arg96Lys (NM_001322011.2, NM_001322012.2); c.647G>A, p.Arg216Lys (NM_001322013.2); c.1220G>A, p.Arg407Lys (NM_001322014.2); c.911G>A, p.Arg304Lys (NM_001322015.2); short protein forms R216K, R220K, R272K, R301K, R304K, R355K, R407K, R96K.
Identifiers: ClinVar variation 1022261 (VCV001022261.8), dbSNP rs766400994, ClinGen allele CA042634.

ClinVar aggregate classification (germline): Uncertain significance (1 of 4 stars; one submission).

Conditions:
Hereditary nonpolyposis colorectal neoplasms. Identifiers: MedGen C0009405, MeSH D003123.

Allele frequency attached by ClinVar (database versions not stated): gnomAD exomes below 0.00001; ExAC 0.00001.
gnomAD v4.1: 1 of 1,614,068 alleles (0.000062%); highest among the groups gnomAD compares: South Asian, 0.0011%; no homozygotes.

Submission:

Labcorp Genetics (formerly Invitae), Labcorp
Classification: Uncertain significance for Hereditary nonpolyposis colorectal neoplasms. Last evaluated: 2024-12-27. Review status: criteria provided, single submitter. Criteria: Invitae Variant Classification Sherloc (09022015). Collection method: clinical testing. Allele origin: germline.
Comment: This sequence change replaces arginine, which is basic and polar, with lysine, which is basic and polar, at codon 407 of the PMS2 protein (p.Arg407Lys). This variant is present in population databases (rs766400994, gnomAD 0.003%). This variant has not been reported in the literature in individuals affected with PMS2-related conditions. ClinVar contains an entry for this variant (Variation ID: 1022261). Invitae Evidence Modeling of protein sequence and biophysical properties (such as structural, functional, and spatial information, amino acid conservation, physicochemical variation, residue mobility, and thermodynamic stability) indicates that this missense variant is not expected to disrupt PMS2 protein function with a negative predictive value of 80%. In summary, the available evidence is currently insufficient to determine the role of this variant in disease. Therefore, it has been classified as a Variant of Uncertain Significance.